The following is an entry in ClinVar:

ClinVar aggregate classification (germline): Likely benign (0 of 4 stars; one submission).

Conditions:
GTF2IRD1-related disorder. Also called: GTF2IRD1-related condition.

Allele frequency attached by ClinVar (database versions not stated): gnomAD 0.00002; TOPMed 0.00002; gnomAD exomes 0.00003.
gnomAD v4.1: 46 of 1,596,858 alleles (0.0029%); highest among the groups gnomAD compares: East Asian, 0.016%; no homozygotes.

Submission:

PreventionGenetics, part of Exact Sciences
Classification: Likely benign for GTF2IRD1-related condition. Last evaluated: 2020-01-30. Review status: no assertion criteria provided. Collection method: clinical testing. Allele origin: germline.
Comment: This variant is classified as likely benign based on ACMG/AMP sequence variant interpretation guidelines (Richards et al. 2015 PMID: 25741868, with internal and published modifications).

NM_005685.4(GTF2IRD1):c.2106C>T (p.Tyr702=)

Gene: GTF2IRD1 (GTF2I repeat domain containing 1; plus strand). Cytogenetic location: 7q11.23.
Variant type: single nucleotide variant.
Coding change: c.2106C>T on transcript NM_005685.4 (MANE Select); coding-DNA position 2106, C replaced by T.
Protein change: p.Tyr702=; no amino-acid change (tyrosine 702 retained).
Molecular consequence: synonymous variant.
Genome position (GRCh38, 1-based): chr7:74,557,721, C>T. VCF-style: chr7-74557721-C-T. GRCh37 (hg19) VCF-style: chr7-73972051-C-T.
Other names: c.2202C>T, p.Tyr734= (NM_001199207.2); c.2106C>T, p.Tyr702= (NM_001410888.1); c.2151C>T, p.Tyr717= (NM_016328.3).
Identifiers: ClinVar variation 3051797 (VCV003051797.2), dbSNP rs758790855, ClinGen allele CA4297164.